The following is an entry in ClinVar:

NM_139058.3(ARX):c.223T>G (p.Phe75Val)

Gene: ARX (aristaless related homeobox; minus strand). Cytogenetic location: Xp21.3.
Variant type: single nucleotide variant.
Coding change: c.223T>G on transcript NM_139058.3 (MANE Select); coding-DNA position 223, T replaced by G.
Protein change: p.Phe75Val; replaces phenylalanine 75 with valine.
Molecular consequence: missense variant.
Genome position (GRCh38, 1-based): chrX:25,013,772, A>C on the plus strand (T>G on the coding strand, the complement: ARX is on the minus strand). VCF-style: chrX-25013772-A-C. GRCh37 (hg19) VCF-style: chrX-25031889-A-C.
Other names: short protein forms F75V.
Identifiers: ClinVar variation 377131 (VCV000377131.18), dbSNP rs999545482, ClinGen allele CA16603279.
Genomic context (GRCh38, chrX:25,013,772, plus strand): 5'-GGCCCCCGCCCGGGCCGTACAGGCGCCGCAGCTTGGGCGGCAGGTGCAGCTCGGCCTCGA[A>C]CGGGGCGCTGCTGCTCTTAGGGGAGCCTGCGGGCAAGGGAGAGCTATCAGCCAGCCGGCC-3'
Protein context (NP_620689.1, residues 65-85): QGSPKSSSAP[Phe75Val]EAELHLPPKL

ClinVar aggregate classification (germline): Conflicting classifications of pathogenicity. Review status: criteria provided, conflicting classifications (1 of 4 stars). 4 submissions from 4 submitters: Uncertain significance (2); Benign (1); Likely benign (1). Last evaluated 2025-09-15.

Conditions:
Developmental and epileptic encephalopathy, 1 (DEE1). Also called: X-linked infantile spasms; West's syndrome; Tonic spasms with clustering, arrest of psychomotor development and hypsarrhythmia on EEG; X-Linked Infantile Spasm Syndrome; OHTAHARA SYNDROME, X-LINKED; Epileptic encephalopathy, early infantile, 1. Identifiers: MedGen C3463992, MONDO:0010632, OMIM 308350. Disease mechanism: loss of function.
Intellectual disability, X-linked, with or without seizures, ARX-related. Also called: Mental retardation, X-linked 52; INTELLECTUAL DEVELOPMENTAL DISORDER, X-LINKED 29; MENTAL RETARDATION, X-LINKED 29; MENTAL RETARDATION, X-LINKED 32; MENTAL RETARDATION, X-LINKED 33; MENTAL RETARDATION, X-LINKED 38. Identifiers: Orphanet 777, MedGen C0796244, MONDO:0010317, OMIM 300419.
Inborn genetic diseases. Identifiers: MedGen C0950123, MeSH D030342.

Allele frequency attached by ClinVar (database versions not stated): gnomAD 0.00005; TOPMed 0.00005; gnomAD exomes 0.00010.

Submissions (4):

Labcorp Genetics (formerly Invitae), Labcorp
Classification: Benign for Developmental and epileptic encephalopathy, 1; Intellectual disability, X-linked, with or without seizures, ARX-related. Last evaluated: 2025-09-15. Review status: criteria provided, single submitter. Criteria: Invitae Variant Classification Sherloc (09022015). Collection method: clinical testing. Allele origin: germline.

GeneDx
Classification: Likely benign. Last evaluated: 2019-11-11. Review status: criteria provided, single submitter. Criteria: GeneDx Variant Classification Process June 2021. Collection method: clinical testing. Allele origin: germline. Affected: yes.

Center for Pediatric Genomic Medicine, Children's Mercy Hospital and Clinics
Classification: Uncertain significance. Last evaluated: 2016-09-13. Review status: criteria provided, single submitter. Criteria: ACMG Guidelines, 2015. Collection method: clinical testing. Allele origin: germline.
ClinVar note: Converted during submission from Uncertain Significance to Uncertain significance.

Ambry Genetics
Classification: Uncertain significance for Inborn genetic diseases. Last evaluated: 2015-10-07. Review status: criteria provided, single submitter. Criteria: Ambry exome assertion method (8-5-2015). Collection method: clinical testing. Allele origin: germline. Affected: yes. Observed: 1 variant allele.